The following is an entry in ClinVar:

ClinVar aggregate classification (germline): Uncertain significance. Review status: criteria provided, single submitter (1 of 4 stars). 2 submissions from 2 submitters: Uncertain significance (1). 1 of the submissions does not count toward it. Last evaluated 2024-10-29.

Conditions:
Maple syrup urine disease type 1A (MSUD1A). Also called: MSUD type 1A. Identifiers: MedGen C1855369, MONDO:0023691, OMIM 248600.
Maple syrup urine disease (MSUD). Identifiers: Orphanet 511, MedGen C0024776, MeSH D008375, MONDO:0009563. Disease mechanism: loss of function.

Allele frequency attached by ClinVar (database versions not stated): gnomAD exomes below 0.00001; gnomAD 0.00001; TOPMed 0.00001.
gnomAD v4.1: 2 of 1,613,544 alleles (0.00012%); highest among the groups gnomAD compares: Admixed American, 0.0033%; no homozygotes.

Submissions (2):

Labcorp Genetics (formerly Invitae), Labcorp
Classification: Uncertain significance for Maple syrup urine disease. Last evaluated: 2024-10-29. Review status: criteria provided, single submitter. Criteria: Invitae Variant Classification Sherloc (09022015). Collection method: clinical testing. Allele origin: germline.
Comment: This sequence change replaces asparagine, which is neutral and polar, with serine, which is neutral and polar, at codon 150 of the BCKDHA protein (p.Asn150Ser). This variant is not present in population databases (gnomAD no frequency). This variant has not been reported in the literature in individuals affected with BCKDHA-related conditions. ClinVar contains an entry for this variant (Variation ID: 967678). Invitae Evidence Modeling of protein sequence and biophysical properties (such as structural, functional, and spatial information, amino acid conservation, physicochemical variation, residue mobility, and thermodynamic stability) indicates that this missense variant is not expected to disrupt BCKDHA protein function with a negative predictive value of 95%. In summary, the available evidence is currently insufficient to determine the role of this variant in disease. Therefore, it has been classified as a Variant of Uncertain Significance.

Natera, Inc.
Classification: Uncertain significance for Maple syrup urine disease type 1A. Last evaluated: 2020-09-21. Review status: no assertion criteria provided. Collection method: clinical testing. Allele origin: germline. Not counted in ClinVar's aggregate classification.

NM_000709.4(BCKDHA):c.449A>G (p.Asn150Ser)

Gene: BCKDHA (branched chain keto acid dehydrogenase E1 subunit alpha; plus strand). Cytogenetic location: 19q13.2.
Variant type: single nucleotide variant.
Coding change: c.449A>G on transcript NM_000709.4 (MANE Select); coding-DNA position 449, A replaced by G.
Protein change: p.Asn150Ser; replaces asparagine 150 with serine.
Molecular consequence: missense variant.
Genome position (GRCh38, 1-based): chr19:41,414,122, A>G. VCF-style: chr19-41414122-A-G. GRCh37 (hg19) VCF-style: chr19-41920027-A-G.
Other names: c.449A>G, p.Asn150Ser (NM_001164783.2); short protein forms N150S.
Identifiers: ClinVar variation 967678 (VCV000967678.7), dbSNP rs2039284627, ClinGen allele CA406008163.